The following is an entry in ClinVar:

ClinVar aggregate classification (germline): Uncertain significance (1 of 4 stars; one submission).

Submission:

CeGaT Center for Human Genetics Tuebingen
Classification: Uncertain significance. Last evaluated: 2022-08-01. Review status: criteria provided, single submitter. Criteria: CeGaT Center For Human Genetics Tuebingen Variant Classification Criteria Version 2. Collection method: clinical testing. Allele origin: germline. Affected: yes. Observed: 1 variant allele.
Comment: EHMT1: PM2

NM_024757.5(EHMT1):c.275C>A (p.Ala92Glu)

Gene: EHMT1 (euchromatic histone lysine methyltransferase 1; plus strand). Cytogenetic location: 9q34.3.
Variant type: single nucleotide variant.
Coding change: c.275C>A on transcript NM_024757.5 (MANE Select); coding-DNA position 275, C replaced by A.
Protein change: p.Ala92Glu; replaces alanine 92 with glutamic acid.
Molecular consequence: missense variant.
Genome position (GRCh38, 1-based): chr9:137,716,815, C>A. VCF-style: chr9-137716815-C-A. GRCh37 (hg19) VCF-style: chr9-140611267-C-A.
Other names: c.275C>A, p.Ala92Glu (NM_001145527.2, NM_001354263.2, NM_001354611.2); c.182C>A, p.Ala61Glu (NM_001354259.2, NM_001354612.2); short protein forms A61E, A92E.
Identifiers: ClinVar variation 2659833 (VCV002659833.24), dbSNP rs1361231265, ClinGen allele CA375763905.